The following is an entry in ClinVar:

NM_000111.3(SLC26A3):c.2254C>T (p.Arg752Cys)

Gene: SLC26A3 (solute carrier family 26 member 3; minus strand). Cytogenetic location: 7q22.3.
Variant type: single nucleotide variant.
Coding change: c.2254C>T on transcript NM_000111.3 (MANE Select); coding-DNA position 2254, C replaced by T.
Protein change: p.Arg752Cys; replaces arginine 752 with cysteine.
Molecular consequence: missense variant.
Genome position (GRCh38, 1-based): chr7:107,767,596, G>A on the plus strand (C>T on the coding strand, the complement: SLC26A3 is on the minus strand). VCF-style: chr7-107767596-G-A. GRCh37 (hg19) VCF-style: chr7-107408041-G-A.
Other names: short protein forms R752C.
Identifiers: ClinVar variation 2195245 (VCV002195245.1), dbSNP rs776888978, ClinGen allele CA4433532.

ClinVar aggregate classification (germline): Uncertain significance (1 of 4 stars; one submission).

Allele frequency attached by ClinVar (database versions not stated): 1000 Genomes Project 30x 0.00016.
gnomAD v4.1: 56 of 1,607,886 alleles (0.0035%); highest among the groups gnomAD compares: East Asian, 0.049%; no homozygotes.

Submission:

Labcorp Genetics (formerly Invitae), Labcorp
Classification: Uncertain significance. Last evaluated: 2022-08-05. Review status: criteria provided, single submitter. Criteria: Invitae Variant Classification Sherloc (09022015). Collection method: clinical testing. Allele origin: germline.
Comment: This sequence change replaces arginine, which is basic and polar, with cysteine, which is neutral and slightly polar, at codon 752 of the SLC26A3 protein (p.Arg752Cys). This variant is present in population databases (rs776888978, gnomAD 0.03%). This variant has not been reported in the literature in individuals affected with SLC26A3-related conditions. Algorithms developed to predict the effect of missense changes on protein structure and function are either unavailable or do not agree on the potential impact of this missense change (SIFT: "Deleterious"; PolyPhen-2: "Benign"; Align-GVGD: "Class C0"). In summary, the available evidence is currently insufficient to determine the role of this variant in disease. Therefore, it has been classified as a Variant of Uncertain Significance.